The following is an entry in ClinVar:

ClinVar aggregate classification (germline): Uncertain significance (1 of 4 stars; one submission).

Conditions:
TTN-related disorder. Also called: TTN-related disorders; TTN-related condition; TTN-related disease.

Submission:

PreventionGenetics, part of Exact Sciences
Classification: Uncertain significance for TTN-related condition. Last evaluated: 2026-03-19. Review status: criteria provided, single submitter. Criteria: ACMG Guidelines, 2015. Collection method: clinical testing. Allele origin: germline.
Comment: The TTN c.106838C>A variant is predicted to result in the amino acid substitution p.Ser35613Tyr. To our knowledge, this variant has not been reported in the literature or in a large population database (gnomAD), indicating this variant is rare. At this time, the clinical significance of this variant is uncertain due to the absence of conclusive functional and genetic evidence.

NM_001267550.2(TTN):c.106838C>A (p.Ser35613Tyr)

Genes: TTN (titin; minus strand), TTN-AS1 (TTN antisense RNA 1; plus strand). Cytogenetic location: 2q31.2.
Variant type: single nucleotide variant.
Coding change: c.106838C>A on transcript NM_001267550.2 (MANE Select); coding-DNA position 106838, C replaced by A.
Protein change: p.Ser35613Tyr; replaces serine 35613 with tyrosine.
Molecular consequence: missense variant.
Genome position (GRCh38, 1-based): chr2:178,528,913, G>T on the plus strand (C>A on the coding strand, the complement: TTN is on the minus strand). VCF-style: chr2-178528913-G-T. GRCh37 (hg19) VCF-style: chr2-179393640-G-T.
Other names: c.101915C>A, p.Ser33972Tyr (NM_001256850.1); c.79643C>A, p.Ser26548Tyr (NM_003319.4); c.99134C>A, p.Ser33045Tyr (NM_133378.4); c.80018C>A, p.Ser26673Tyr (NM_133432.3); c.80219C>A, p.Ser26740Tyr (NM_133437.4); short protein forms S26740Y, S33972Y, S35613Y, S33045Y, S26548Y, S26673Y.
Identifiers: ClinVar variation 4991368 (VCV004991368.1).